The following is an entry in ClinVar:

NM_001001548.3(CD36):c.430-1G>A

Gene: CD36 (CD36 molecule (CD36 blood group); plus strand). Cytogenetic location: 7q21.11.
Variant type: single nucleotide variant.
Coding change: c.430-1G>A on transcript NM_001001548.3 (MANE Select); the canonical splice acceptor site of the intron before coding-DNA position 430, G replaced by A.
Molecular consequence: splice acceptor variant. On other transcripts: 5 prime UTR variant (1), intron variant (1).
Genome position (GRCh38, 1-based): chr7:80,662,989, G>A. VCF-style: chr7-80662989-G-A. GRCh37 (hg19) VCF-style: chr7-80292305-G-A.
Other names: c.-37G>A (NM_001371081.1); c.430-1G>A (NM_001371075.1, NM_001001547.3, NM_001371074.1 and 6 more transcripts); c.202-1G>A (NM_001289911.2); c.-36-1G>A (NM_001371080.1); c.328-1G>A (NM_001371079.1); c.430-1417G>A (NM_001289909.1).
Identifiers: ClinVar variation 1302074 (VCV001302074.3), dbSNP rs199530093, ClinGen allele CA367855501.

ClinVar aggregate classification (germline): Likely pathogenic (1 of 4 stars; one submission).

gnomAD v4.1: 2 of 1,609,430 alleles (0.00012%); highest among the groups gnomAD compares: Admixed American, 0.0017%; no homozygotes.

Submission:

GeneDx
Classification: Likely pathogenic. Last evaluated: 2023-06-15. Review status: criteria provided, single submitter. Criteria: GeneDx Variant Classification Process June 2021. Collection method: clinical testing. Allele origin: germline. Affected: yes.
Comment: Canonical splice site variant predicted to result in an in-frame loss of the adjacent exon in a gene for which loss of function is a known mechanism of disease; Not observed at significant frequency in large population cohorts (gnomAD); Has not been previously published as pathogenic or benign to our knowledge